The following is an entry in ClinVar:

ClinVar aggregate classification (germline): Pathogenic (1 of 4 stars; one submission).

Conditions:
ELN-related disorder.

Submission:

PreventionGenetics, part of Exact Sciences
Classification: Pathogenic for ELN-related condition. Last evaluated: 2025-01-06. Review status: criteria provided, single submitter. Criteria: ACMG Guidelines, 2015. Collection method: clinical testing. Allele origin: germline.
Comment: The ELN c.848delC variant is predicted to result in a frameshift and premature protein termination (p.Pro283Leufs*40). To our knowledge, this variant has not been reported in the literature or in a large population database (gnomAD), indicating this variant is rare. Frameshift variants in ELN are expected to be pathogenic. This variant is interpreted as pathogenic.

NM_000501.4(ELN):c.848del (p.Pro283fs)

Gene: ELN (elastin; plus strand). Cytogenetic location: 7q11.23.
Variant type: Deletion.
Coding change: c.848del on transcript NM_000501.4 (MANE Select); coding-DNA position 848, one base deleted (C; older notation c.848delC).
Protein change: p.Pro283fs; shifts the reading frame from proline 283.
Molecular consequence: frameshift variant.
Genome position (GRCh38, 1-based): chr7:74,051,798, C deleted; the last of 2 consecutive C bases (chr7:74,051,797-74,051,798); deleting either gives the same sequence. VCF-style (leftmost placement, unchanged base first): chr7-74051796-TC-T. GRCh37 (hg19) VCF-style: chr7-73466126-TC-T.
Other names: c.818del, p.Pro273fs (NM_001081752.3, NM_001278917.2); c.863del, p.Pro288fs (NM_001081753.3, NM_001081754.3); c.848del, p.Pro283fs (NM_001081755.3, NM_001278912.2, NM_001278915.2 and 1 more transcripts); c.740del, p.Pro247fs (NM_001278913.2); c.833del, p.Pro278fs (NM_001278914.2); c.806del, p.Pro269fs (NM_001278916.2); c.716del, p.Pro239fs (NM_001278918.2); short protein forms P288fs, P239fs, P247fs, P273fs, P269fs, P283fs, P278fs.
Identifiers: ClinVar variation 5001785 (VCV005001785.1).